The following is an entry in ClinVar:

ClinVar aggregate classification (germline): Pathogenic (1 of 4 stars; one submission).

Submission:

GeneDx
Classification: Pathogenic. Last evaluated: 2025-08-28. Review status: criteria provided, single submitter. Criteria: GeneDx Variant Classification Process June 2021. Collection method: clinical testing. Allele origin: germline. Affected: yes.
Comment: Published functional studies demonstrate a damaging effect as R264* ADNP protein appears to impact protein stability and increases protein degradation (PMID: 29911927); Not observed at significant frequency in large population cohorts (gnomAD); Nonsense variant predicted to result in protein truncation, as the last 839 amino acid(s) are lost, and other loss-of-function variants have been reported downstream in HGMD; This variant is associated with the following publications: (PMID: 29724491, 29911927, 33726816, 35887114, 35982159, 33057194)

NM_001282531.3(ADNP):c.790C>T (p.Arg264Ter)

Gene: ADNP (activity dependent neuroprotector homeobox; minus strand). Cytogenetic location: 20q13.13.
Variant type: single nucleotide variant.
Coding change: c.790C>T on transcript NM_001282531.3 (MANE Select); coding-DNA position 790, C replaced by T.
Protein change: p.Arg264Ter; replaces arginine 264 with a stop codon.
Molecular consequence: nonsense.
Genome position (GRCh38, 1-based): chr20:50,893,924, G>A on the plus strand (C>T on the coding strand, the complement: ADNP is on the minus strand). VCF-style: chr20-50893924-G-A. GRCh37 (hg19) VCF-style: chr20-49510461-G-A.
Other names: c.790C>T, p.Arg264Ter (NM_001282532.2, NM_001347511.2, NM_015339.5 and 1 more transcripts); short protein forms R264*.
Identifiers: ClinVar variation 280535 (VCV000280535.6), dbSNP rs886041722, ClinGen allele CA10603466.